The following is an entry in ClinVar:

NM_002693.3(POLG):c.3293A>C (p.Asn1098Thr)

Gene: POLG (DNA polymerase gamma, catalytic subunit; minus strand). Cytogenetic location: 15q26.1.
Variant type: single nucleotide variant.
Coding change: c.3293A>C on transcript NM_002693.3 (MANE Select); coding-DNA position 3293, A replaced by C.
Protein change: p.Asn1098Thr; replaces asparagine 1098 with threonine.
Molecular consequence: missense variant.
Genome position (GRCh38, 1-based): chr15:89,318,730, T>G on the plus strand (A>C on the coding strand, the complement: POLG is on the minus strand). VCF-style: chr15-89318730-T-G. GRCh37 (hg19) VCF-style: chr15-89861961-T-G.
Other names: c.3293A>C, p.Asn1098Thr (NM_001126131.2); c.3293A>C (NM_002693.2); short protein forms N1098T.
Identifiers: ClinVar variation 129995 (VCV000129995.7), dbSNP rs587780421, ClinGen allele CA231406.

ClinVar aggregate classification (germline): Uncertain significance. Review status: reviewed by expert panel (3 of 4 stars). 2 submissions from 2 submitters: Uncertain significance (1). 1 of the submissions does not count toward it. Last evaluated 2021-05-07.

Conditions:
Mitochondrial disease. Also called: Mitochondrial disorder; Mitochondrial disorders. Identifiers: Orphanet 68380, MedGen C0751651, MeSH D028361, MONDO:0044970.

Submissions (2):

ClinGen Mitochondrial Disease Nuclear and Mitochondrial  Variant Curation Expert Panel, ClinGen
Classification: Uncertain significance for Mitochondrial disease. Last evaluated: 2021-05-07. Review status: reviewed by expert panel. Criteria: ClinGen Mito Disease ACMG Specifications v1. Collection method: curation. Allele origin: germline. Inheritance: Autosomal recessive inheritance.
Comment: The c.3293A>C (p.Asn1098Thr) variant in POLG is absent in population databases ExAC, gnomAD, 1000 Genomes, and ESP (PM2). Computational prediction tool Revel score is 0.953 (PP3). This variant has not been reported in the literature. In summary, there is not sufficient evidence to characterize this variant as pathogenic or benign, therefore it is characterized as a variant of uncertain significance for primary mitochondrial disease inherited in an autosomal recessive manner. ntDNA Mitochondrial ACMG-AMP Criteria for POLG applied: PM2, PP3.

Genetic Services Laboratory, University of Chicago
Classification: Uncertain significance. Last evaluated: 2014-02-18. Review status: criteria provided, single submitter. Criteria: ACMG Guidelines, 2007. Collection method: clinical testing. Allele origin: germline. Inheritance: Autosomal recessive inheritance. Not counted in ClinVar's aggregate classification.